The following is an entry in ClinVar:

ClinVar aggregate classification (germline): Benign. Review status: criteria provided, multiple submitters, no conflicts (2 of 4 stars). 3 submissions from 3 submitters: Benign (2). 1 of the submissions does not count toward it. Last evaluated 2026-01-28.

Conditions:
Autosomal recessive osteopetrosis 1. Also called: TCIRG1-Related Autosomal Recessive Osteopetrosis; ALBERS-SCHONBERG DISEASE, AUTOSOMAL RECESSIVE; TCIRG1-Related Osteopetrosis. Identifiers: Orphanet 667, MedGen C1850127, MONDO:0009815, OMIM 259700.

Allele frequency attached by ClinVar (database versions not stated): ESP Exome Variant Server 0.00008; gnomAD 0.00038 and 0.00054; TOPMed 0.00121; ExAC 0.00161; 1000 Genomes Project 30x 0.00265; 1000 Genomes Project 0.00319.
gnomAD v4.1: 761 of 1,610,980 alleles (0.047%); highest among the groups gnomAD compares: East Asian, 1.3%; 11 homozygotes.

Submissions (3):

Labcorp Genetics (formerly Invitae), Labcorp
Classification: Benign. Last evaluated: 2026-01-28. Review status: criteria provided, single submitter. Criteria: Invitae Variant Classification Sherloc (09022015). Collection method: clinical testing. Allele origin: germline.

Illumina Laboratory Services, Illumina
Classification: Benign for Autosomal recessive osteopetrosis 1. Last evaluated: 2017-04-27. Review status: criteria provided, single submitter. Criteria: ICSL Variant Classification Criteria 13 December 2019. Collection method: clinical testing. Allele origin: germline.
Comment: This variant was observed as part of a predisposition screen in an ostensibly healthy population. A literature search was performed for the gene, cDNA change, and amino acid change (where applicable). No publications were found based on this search. Allele frequency data from public databases was too high to be consistent with this variant causing disease. Therefore, this variant is classified as benign.

Natera, Inc.
Classification: Benign for Infantile malignant osteopetrosis. Last evaluated: 2020-01-13. Review status: no assertion criteria provided. Collection method: clinical testing. Allele origin: germline. Not counted in ClinVar's aggregate classification.

NM_006019.4(TCIRG1):c.154G>C (p.Val52Leu)

Gene: TCIRG1 (T cell immune regulator 1, ATPase H+ transporting V0 subunit a3; plus strand). Cytogenetic location: 11q13.2.
Variant type: single nucleotide variant.
Coding change: c.154G>C on transcript NM_006019.4 (MANE Select); coding-DNA position 154, G replaced by C.
Protein change: p.Val52Leu; replaces valine 52 with leucine.
Molecular consequence: missense variant. On other transcripts: 5 prime UTR variant (1).
Genome position (GRCh38, 1-based): chr11:68,041,789, G>C. VCF-style: chr11-68041789-G-C. GRCh37 (hg19) VCF-style: chr11-67809256-G-C.
Other names: c.-1096G>C (NM_001351059.2); short protein forms V52L.
Identifiers: ClinVar variation 740810 (VCV000740810.15), dbSNP rs118141250, ClinGen allele CA6146672.